The following is an entry in ClinVar:

ClinVar aggregate classification (germline): Conflicting classifications of pathogenicity. Review status: criteria provided, conflicting classifications (1 of 4 stars). 2 submissions from 2 submitters: Uncertain significance (1); Likely benign (1). Last evaluated 2024-07-06.

Conditions:
Autosomal dominant childhood-onset proximal spinal muscular atrophy without contractures. Also called: KUGELBERG-WELANDER SYNDROME, AUTOSOMAL DOMINANT; SPINAL MUSCULAR ATROPHY, JUVENILE, PROXIMAL, AUTOSOMAL DOMINANT; Spinal muscular atrophy, lower extremity-predominant 1, AD; SPINAL MUSCULAR ATROPHY, CHILDHOOD, PROXIMAL, AUTOSOMAL DOMINANT. Identifiers: Orphanet 209341, Orphanet 363447, MedGen C5780022, MONDO:0008026, OMIM 158600.
Charcot-Marie-Tooth disease axonal type 2O. Also called: Charcot-Marie-Tooth disease, axonal, type 20; CHARCOT-MARIE-TOOTH NEUROPATHY, AXONAL, TYPE 2O; CHARCOT-MARIE-TOOTH DISEASE, AXONAL, AUTOSOMAL DOMINANT, TYPE 2O; Charcot-Marie-Tooth Neuropathy Type 2O. Identifiers: Orphanet 284232, MedGen C3280220, MONDO:0013644, OMIM 614228.
Cortical dysplasia, complex, with other brain malformations 13. Also called: Intellectual disability, autosomal dominant 13. Identifiers: MedGen C3281202, MONDO:0013805, OMIM 614563.

gnomAD v4.1: 41 of 1,613,962 alleles (0.0025%); highest among the groups gnomAD compares: Non-Finnish European, 0.0014%; no homozygotes.

Submissions (2):

Labcorp Genetics (formerly Invitae), Labcorp
Classification: Likely benign for Charcot-Marie-Tooth disease axonal type 2O. Last evaluated: 2024-07-06. Review status: criteria provided, single submitter. Criteria: Invitae Variant Classification Sherloc (09022015). Collection method: clinical testing. Allele origin: germline.

Center for Genomics, Ann and Robert H. Lurie Children's Hospital of Chicago
Classification: Uncertain significance for Charcot-Marie-Tooth disease axonal type 2O; Autosomal dominant childhood-onset proximal spinal muscular atrophy without contractures; Cortical dysplasia, complex, with other brain malformations 13. Review status: criteria provided, single submitter. Criteria: ACMG Guidelines, 2015. Collection method: clinical testing. Allele origin: germline.
Comment: DYNC1H1 NM_001376.4 exon 66 p.Thr4064= (c.1219G>A): This variant has not been reported in the literature but is present in 3/126710 European alleles in the Genome Aggregation Database. This variant is present in ClinVar (Variation ID:379520). Evolutionary conservation and computational predictive tools for this variant are limited or unavailable. Of note, this variant is a silent variant and does not change the amino acid, reducing the probability that this variant is disease causing. In summary, data on this variant is insufficient for disease classification. Therefore, the clinical significance of this variant is uncertain.

NM_001376.5(DYNC1H1):c.12192G>A (p.Thr4064=)

Gene: DYNC1H1 (dynein cytoplasmic 1 heavy chain 1; plus strand). Cytogenetic location: 14q32.31.
Variant type: single nucleotide variant.
Coding change: c.12192G>A on transcript NM_001376.5 (MANE Select); coding-DNA position 12192, G replaced by A.
Protein change: p.Thr4064=; no amino-acid change (threonine 4064 retained).
Molecular consequence: synonymous variant.
Genome position (GRCh38, 1-based): chr14:102,042,102, G>A. VCF-style: chr14-102042102-G-A. GRCh37 (hg19) VCF-style: chr14-102508439-G-A.
Identifiers: ClinVar variation 625933 (VCV000625933.11), dbSNP rs114906811, ClinGen allele CA7353850.